The following is an entry in ClinVar:

ClinVar aggregate classification (germline): Uncertain significance (1 of 4 stars; one submission).

Conditions:
Rhabdoid tumor predisposition syndrome 2 (RTPS2). Identifiers: Orphanet 231108, Orphanet 69077, MedGen C2750074, MONDO:0013224, OMIM 613325.

Submission:

Labcorp Genetics (formerly Invitae), Labcorp
Classification: Uncertain significance for Rhabdoid tumor predisposition syndrome 2. Last evaluated: 2024-07-17. Review status: criteria provided, single submitter. Criteria: Invitae Variant Classification Sherloc (09022015). Collection method: clinical testing. Allele origin: germline.
Comment: This sequence change replaces tyrosine, which is neutral and polar, with histidine, which is basic and polar, at codon 862 of the SMARCA4 protein (p.Tyr862His). This variant is not present in population databases (gnomAD no frequency). This variant has not been reported in the literature in individuals affected with SMARCA4-related conditions. Advanced modeling of protein sequence and biophysical properties (such as structural, functional, and spatial information, amino acid conservation, physicochemical variation, residue mobility, and thermodynamic stability) performed at Invitae indicates that this missense variant is expected to disrupt SMARCA4 protein function with a positive predictive value of 95%. In summary, the available evidence is currently insufficient to determine the role of this variant in disease. Therefore, it has been classified as a Variant of Uncertain Significance.

NM_003072.5(SMARCA4):c.2584T>C (p.Tyr862His)

Gene: SMARCA4 (SWI/SNF related BAF chromatin remodeling complex subunit ATPase 4; plus strand). Cytogenetic location: 19p13.2.
Variant type: single nucleotide variant.
Coding change: c.2584T>C on transcript NM_003072.5 (MANE Select); coding-DNA position 2584, T replaced by C.
Protein change: p.Tyr862His; replaces tyrosine 862 with histidine.
Molecular consequence: missense variant. On other transcripts: non-coding transcript variant (1).
Genome position (GRCh38, 1-based): chr19:11,019,669, T>C. VCF-style: chr19-11019669-T-C. GRCh37 (hg19) VCF-style: chr19-11130345-T-C.
Other names: c.2584T>C, p.Tyr862His (NM_001128844.3, NM_001128845.2, NM_001128846.2 and 6 more transcripts); short protein forms Y862H.
Identifiers: ClinVar variation 3636869 (VCV003636869.2).